The following is an entry in ClinVar:

GRCh37/hg19 1q43-44(chr1:243085543-247137125)x3

Genes: ADSS2 (adenylosuccinate synthase 2; minus strand), AHCTF1 (AT-hook containing transcription factor 1; minus strand), AKT3 (AKT serine/threonine kinase 3; minus strand), CATSPERE (catsper channel auxiliary subunit epsilon; plus strand), CEP170 (centrosomal protein 170; minus strand) and 13 more. Cytogenetic location: 1q43-44.
Variant type: copy number gain.
Change: copy number 3 (three copies instead of two) of chr1:243,085,543-247,137,125 (4.05 Mb, GRCh37 coordinates, 1-based), cytogenetic band 1q43-44.
Identifiers: ClinVar variation 1808697 (VCV001808697.1).

ClinVar aggregate classification (germline): Pathogenic (1 of 4 stars; one submission).

Submission:

Quest Diagnostics Nichols Institute San Juan Capistrano
Classification: Pathogenic. Last evaluated: 2022-06-10. Review status: criteria provided, single submitter. Criteria: ACMG/ClinGen CNV Guidelines, 2019. Collection method: clinical testing. Allele origin: unknown.
Comment: This duplication of 1q43q44 involves multiple genes, including the entire AKT3 (OMIM 611223). The 1q43q44 microdeletion syndrome region (OMIM 612337) is also nested within this region. Multiple cases with pure duplication of distal 1q have shown common characteristic manifestations, including prenatal and postnatal growth retardation, relative macrocephaly, triangular face, prominent forehead, broad nasal bridge, abnormal philtrum, micro/retrognathia, cardiac defects, and intellectual disability (Verschuuren-Bemelmans et al, 1995. Am J Med Genet 58:83?86; Chia NL et al,1988. Clin Genet 34:224-229; Bartsch C et al, Fetal Diagn Ther. 2001 Sep-Oct;16(5):265-73. PMID: 11509847; De Brasi D et al, Am J Med Genet. 2001 Nov 22;104(2):127-30. PMID: 11746042; Cocce MC et al, Cytogenet Genome Res. 2007;118(1):84-6. PMID: 17901705). In addition, a de novo 3 Mb duplication at 1q43q44 (hg19 chr1:242.1-245.1 Mb), which largely overlaps the current duplication, has been reported in a child with moderate developmental delays in gross motor movements and speech, macrocephaly, and craniofacial anomalies. The 3 Mb duplicated region contained 15 genes including AKT3. The authors propose triplosensitivity of AKT3 as causal for the macrocephaly phenotype (Wang et al, Am J Med Genet A. 2013 Aug;161A(8):2016-9. PMID: 23794269). An unaffected parent carrying the 1q43q44 gain has also reported, which suggests incomplete penetrance and variable expressivity of AKT3 in macrocephaly.